The following is an entry in ClinVar:

ClinVar aggregate classification (germline): Uncertain significance (1 of 4 stars; one submission).

Conditions:
Familial episodic pain syndrome with predominantly lower limb involvement. Also called: Episodic pain syndrome, familial, 3. Identifiers: Orphanet 391384, Orphanet 391392, MedGen C3809899, MONDO:0014247, OMIM 615552.
Hereditary sensory and autonomic neuropathy type 7. Also called: Neuropathy, hereditary sensory and autonomic, type VII; HSAN VII. Identifiers: Orphanet 391397, MedGen C3809882, MONDO:0014244, OMIM 615548.

Submission:

Labcorp Genetics (formerly Invitae), Labcorp
Classification: Uncertain significance for Episodic pain syndrome, familial, 3; Neuropathy, hereditary sensory and autonomic, type VII. Last evaluated: 2019-02-08. Review status: criteria provided, single submitter. Criteria: Invitae Variant Classification Sherloc (09022015). Collection method: clinical testing. Allele origin: germline.
Comment: This sequence change replaces lysine with glutamic acid at codon 829 of the SCN11A protein (p.Lys829Glu). The lysine residue is highly conserved and there is a small physicochemical difference between lysine and glutamic acid. This variant is not present in population databases (ExAC no frequency). This variant has not been reported in the literature in individuals with SCN11A-related conditions. Algorithms developed to predict the effect of missense changes on protein structure and function (SIFT, PolyPhen-2, Align-GVGD) all suggest that this variant is likely to be disruptive, but these predictions have not been confirmed by published functional studies and their clinical significance is uncertain. In summary, the available evidence is currently insufficient to determine the role of this variant in disease. Therefore, it has been classified as a Variant of Uncertain Significance.

NM_001349253.2(SCN11A):c.2485A>G (p.Lys829Glu)

Gene: SCN11A (sodium voltage-gated channel alpha subunit 11; minus strand). Cytogenetic location: 3p22.2.
Variant type: single nucleotide variant.
Coding change: c.2485A>G on transcript NM_001349253.2 (MANE Select); coding-DNA position 2485, A replaced by G.
Protein change: p.Lys829Glu; replaces lysine 829 with glutamic acid.
Molecular consequence: missense variant.
Genome position (GRCh38, 1-based): chr3:38,894,883, T>C on the plus strand (A>G on the coding strand, the complement: SCN11A is on the minus strand). VCF-style: chr3-38894883-T-C. GRCh37 (hg19) VCF-style: chr3-38936374-T-C.
Other names: c.2485A>G, p.Lys829Glu (NM_014139.3); short protein forms K829E.
Identifiers: ClinVar variation 847332 (VCV000847332.1), dbSNP rs375069340, ClinGen allele CA72997831.